The following is an entry in ClinVar:

NM_001267550.2(TTN):c.101267del (p.Thr33756fs)

Genes: TTN-AS1 (TTN antisense RNA 1; plus strand), TTN (titin; minus strand). Cytogenetic location: 2q31.2.
Variant type: Deletion.
Coding change: c.101267del on transcript NM_001267550.2 (MANE Select); coding-DNA position 101267, one base deleted (C; older notation c.101267delC).
Protein change: p.Thr33756fs; shifts the reading frame from threonine 33756.
Molecular consequence: frameshift variant.
Genome position (GRCh38, 1-based): chr2:178,535,348, G deleted on the plus strand (C on the coding strand, the reverse complement: TTN is on the minus strand). VCF-style (leftmost placement, unchanged base first): chr2-178535347-TG-T. GRCh37 (hg19) VCF-style: chr2-179400074-TG-T.
Other names: c.96344del, p.Thr32115fs (NM_001256850.1); c.74072del, p.Thr24691fs (NM_003319.4); c.93563del, p.Thr31188fs (NM_133378.4); c.74447del, p.Thr24816fs (NM_133432.3); c.74648del, p.Thr24883fs (NM_133437.4); short protein forms T24883fs, T33756fs, T32115fs, T24691fs, T24816fs, T31188fs.
Identifiers: ClinVar variation 4784619 (VCV004784619.1).

ClinVar aggregate classification (germline): Likely pathogenic (1 of 4 stars; one submission).

Conditions:
Dilated cardiomyopathy 1G (CMD1G). Identifiers: Orphanet 154, MedGen C1858763, MONDO:0011400, OMIM 604145.
Autosomal recessive limb-girdle muscular dystrophy type 2J (LGMDR10). Also called: Limb-girdle muscular dystrophy, type 2J; MUSCULAR DYSTROPHY, LIMB-GIRDLE, AUTOSOMAL RECESSIVE 10. Identifiers: Orphanet 140922, MedGen C1837342, MONDO:0012127, OMIM 608807.

Submission:

Labcorp Genetics (formerly Invitae), Labcorp
Classification: Likely pathogenic for Dilated cardiomyopathy 1G; Autosomal recessive limb-girdle muscular dystrophy type 2J. Last evaluated: 2025-09-02. Review status: criteria provided, single submitter. Criteria: Invitae Variant Classification Sherloc (09022015). Collection method: clinical testing. Allele origin: germline.
Comment: This sequence change creates a premature translational stop signal (p.Thr33756Lysfs*7) in the TTN gene. While this is not anticipated to result in nonsense mediated decay, it is expected to create a truncated TTN protein. This variant is not present in population databases (gnomAD no frequency). This variant has not been reported in the literature in individuals affected with TTN-related conditions. This variant is located in the M band of TTN (PMID: 25589632). Truncating variants in this region have been previously reported in individuals affected with autosomal dominant or autosomal recessive myopathy and muscular dystrophy (PMID: 18948003, 23975875, 24395473). Truncating variants in this region have also been identified in individuals affected with autosomal dominant dilated cardiomyopathy and/or cardio-related conditions (PMID: 27869827, 32964742, internal data). In summary, the currently available evidence indicates that the variant is pathogenic, but additional data are needed to prove that conclusively. Therefore, this variant has been classified as Likely Pathogenic.

Literature cited by the submitters: PubMed 25589632; PubMed 18948003; PubMed 23975875; PubMed 24395473; PubMed 27869827; PubMed 32964742.